The following is an entry in ClinVar:

NM_012448.4(STAT5B):c.1788G>A (p.Gly596=)

Gene: STAT5B (signal transducer and activator of transcription 5B; minus strand). Cytogenetic location: 17q21.2.
Variant type: single nucleotide variant.
Coding change: c.1788G>A on transcript NM_012448.4 (MANE Select); coding-DNA position 1788, G replaced by A.
Protein change: p.Gly596=; no amino-acid change (glycine 596 retained).
Molecular consequence: synonymous variant.
Genome position (GRCh38, 1-based): chr17:42,210,289, C>T on the plus strand (G>A on the coding strand, the complement: STAT5B is on the minus strand). VCF-style: chr17-42210289-C-T. GRCh37 (hg19) VCF-style: chr17-40362307-C-T.
Identifiers: ClinVar variation 3047294 (VCV003047294.2), dbSNP rs919883933, ClinGen allele CA290737633.

ClinVar aggregate classification (germline): Likely benign (0 of 4 stars; one submission).

Conditions:
STAT5B-related disorder. Also called: STAT5B-related condition.

Allele frequency attached by ClinVar (database versions not stated): gnomAD 0.00001; TOPMed 0.00002.
gnomAD v4.1: 2 of 1,614,006 alleles (0.00012%); highest among the groups gnomAD compares: African/African-American, 0.0027%; no homozygotes.

Submission:

PreventionGenetics, part of Exact Sciences
Classification: Likely benign for STAT5B-related condition. Last evaluated: 2023-07-21. Review status: no assertion criteria provided. Collection method: clinical testing. Allele origin: germline.
Comment: This variant is classified as likely benign based on ACMG/AMP sequence variant interpretation guidelines (Richards et al. 2015 PMID: 25741868, with internal and published modifications).